The following is an entry in ClinVar:

ClinVar aggregate classification (germline): Pathogenic. Review status: criteria provided, multiple submitters, no conflicts (2 of 4 stars). 3 submissions from 3 submitters: Pathogenic (3). Last evaluated 2023-11-01.

Conditions:
Familial adenomatous polyposis 1 (FAP1). Also called: POLYPOSIS, ADENOMATOUS INTESTINAL; FAMILIAL ADENOMATOUS POLYPOSIS 1, ATTENUATED. Identifiers: MedGen C2713442, MONDO:0021056, OMIM 175100. Disease mechanism: loss of function.
Hereditary cancer-predisposing syndrome. Also called: Hereditary Cancer Syndrome; Hereditary neoplastic syndrome; Neoplastic Syndromes, Hereditary; Tumor predisposition. Identifiers: Orphanet 140162, MedGen C0027672, MeSH D009386, MONDO:0015356.
Familial multiple polyposis syndrome (FAP). Also called: Familial adenomatous polyposis; Familial Adenomatous Polyposis (FAP); Familial intestinal polyposis; Familial polyposis; Classic familial adenomatous polyposis. Identifiers: Orphanet 733, MedGen C0032580, MONDO:0021055. Disease mechanism: loss of function.

Submissions (3):

Ambry Genetics
Classification: Pathogenic for Hereditary cancer-predisposing syndrome. Last evaluated: 2023-11-01. Review status: criteria provided, single submitter. Criteria: Ambry Variant Classification Scheme 2023. Collection method: clinical testing. Allele origin: germline.
Comment: The c.502delA pathogenic mutation, located in coding exon 4 of the APC gene, results from a deletion of one nucleotide at nucleotide position 502, causing a translational frameshift with a predicted alternate stop codon (p.R168Efs*2). This variant is considered to be rare based on population cohorts in the Genome Aggregation Database (gnomAD). This mutation was detected in 2/66 probands with a clinical diagnosis of Familial Adenomatous Polyposis (FAP) (Jarry et al. Fam. Cancer 2011 Dec;10(4):659-65). In addition to the clinical data presented in the literature, this alteration is expected to result in loss of function by premature protein truncation or nonsense-mediated mRNA decay. As such, this alteration is interpreted as a disease-causing mutation.

Myriad Genetics, Inc.
Classification: Pathogenic for Familial adenomatous polyposis 1. Last evaluated: 2023-04-26. Review status: criteria provided, single submitter. Criteria: Myriad Autosomal Dominant, Autosomal Recessive and X-Linked Classification Criteria (2023). Collection method: clinical testing. Allele origin: unknown.
Comment: This variant is considered pathogenic. This variant creates a frameshift predicted to result in premature protein truncation.

Department of Pathology and Laboratory Medicine, Sinai Health System
Classification: Pathogenic for Familial multiple polyposis syndrome. Review status: criteria provided, single submitter. Criteria: ACMG Guidelines, 2015. Collection method: clinical testing. Allele origin: germline. Affected: yes. Study: Canadian Open Genetics Repository (COGR).

NM_000038.6(APC):c.502del (p.Arg168fs)

Gene: APC (APC regulator of Wnt signaling pathway; plus strand). Cytogenetic location: 5q22.2.
Variant type: Deletion.
Coding change: c.502del on transcript NM_000038.6 (MANE Select); coding-DNA position 502, one base deleted (A; older notation c.502delA).
Protein change: p.Arg168fs; shifts the reading frame from arginine 168.
Molecular consequence: frameshift variant. On other transcripts: 5 prime UTR variant (1).
Genome position (GRCh38, 1-based): chr5:112,775,708, A deleted; the last of 4 consecutive A bases (chr5:112,775,705-112,775,708); deleting any one gives the same sequence. VCF-style (leftmost placement, unchanged base first): chr5-112775704-TA-T. GRCh37 (hg19) VCF-style: chr5-112111401-TA-T.
Other names: c.502del, p.Arg168fs (NM_001127510.3, NM_001354895.2, NM_001354896.2 and 2 more transcripts); c.532del, p.Arg178fs (NM_001127511.3, NM_001354897.2, NM_001354902.2); c.427del, p.Arg143fs (NM_001354898.2, NM_001354904.2); c.325del, p.Arg109fs (NM_001354900.2, NM_001354901.2, NM_001354905.2); c.-534del (NM_001354906.2); short protein forms R109fs, R178fs, R143fs, R168fs.
Identifiers: ClinVar variation 433604 (VCV000433604.6), dbSNP rs1554071602, ClinGen allele CA645372776.